The following is an entry in ClinVar:

NM_000520.6(HEXA):c.1061_1063del (p.Phe354del)

Gene: HEXA (hexosaminidase subunit alpha; minus strand). Cytogenetic location: 15q23.
Variant type: Deletion.
Coding change: c.1061_1063del on transcript NM_000520.6 (MANE Select); coding-DNA positions 1061 to 1063, 3 bases deleted (TCT; older notation c.1061_1063delTCT).
Protein change: p.Phe354del; deletes phenylalanine 354.
Molecular consequence: non-coding transcript variant (on NR_134869.3).
Genome position (GRCh38, 1-based): chr15:72,348,058-72,348,060, AGA deleted on the plus strand (TCT on the coding strand, the reverse complement: HEXA is on the minus strand); deleting any 3 consecutive bases within chr15:72,348,058-72,348,062 gives the same sequence; the c. name uses the placement nearest the transcript's 3' end. VCF-style (leftmost placement, unchanged base first): chr15-72348057-TAGA-T. GRCh37 (hg19) VCF-style: chr15-72640398-TAGA-T.
Other names: c.1061_1063delTCT (NM_000520.5); c.1094_1096del, p.Phe365del (NM_001318825.2); short protein forms F365del, F354del.
Identifiers: ClinVar variation 4818709 (VCV004818709.2).
Genomic context (GRCh38, chr15:72,348,057, plus strand): 5'-CCCCACAGGAGGACCCCCAAGGGACCCCACCCACCCTCCTTCCTTCCTCACGTCTGGATG[TAGA>T]AGGACTCCAGCTGCTTGAAGTCCTCACCGAAGCCTTTCTTCCTCATAAAGTCCTGGATCT-3'

ClinVar aggregate classification (germline): Conflicting classifications of pathogenicity. Review status: criteria provided, conflicting classifications (1 of 4 stars). 2 submissions from 2 submitters: Likely pathogenic (1); Uncertain significance (1). Last evaluated 2025-11-18.

Conditions:
Tay-Sachs disease (TSD). Also called: GM2 gangliosidosis, type 1; Hexosaminidase alpha-subunit deficiency (variant B); Sphingolipidosis, Tay-Sachs; Hexosaminidase A Deficiency; HEXA Disorders; HEXA DEFICIENCY. Identifiers: Orphanet 845, MedGen C0039373, MONDO:0010100, OMIM 272800.

Submissions (2):

Natera, Inc.
Classification: Likely pathogenic for Tay-Sachs disease. Last evaluated: 2025-11-18. Review status: criteria provided, single submitter. Criteria: Natera Variant Classification Schema (03/2026). Collection method: clinical testing. Allele origin: germline.
Comment: The c.1061_1063delTCT variant in HEXA is an in-frame deletion predicted to remove phenylalanine at amino acid 354 while preserving the reading frame. This variant is rare in the general population with a frequency below the threshold expected for the associated phenotype(s). This variant has been observed in one or more individuals affected with the associated recessive disease, as either homozygous or compound heterozygous with a second variant (PMID: 34554397, 16088929). This variant has been identified in one or more affected individual with a phenotype highly consistent with the associated gene (PMID: 34554397). Computational prediction algorithms indicate this variant is likely to affect gene or protein function. Given the available evidence, this variant is classified as Likely Pathogenic.

Myriad Genetics, Inc.
Classification: Uncertain significance for Tay-Sachs disease. Last evaluated: 2025-08-21. Review status: criteria provided, single submitter. Criteria: Myriad Autosomal Dominant, Autosomal Recessive and X-Linked Classification Criteria (2023). Collection method: clinical testing. Allele origin: unknown.
Comment: NM_000520.4(HEXA):c.1061_1063delTCT(F354del) is an in-frame deletion classified as a variant of uncertain significance in the context of hexosaminidase A deficiency. F354del has been observed in cases with relevant disease (PMID: 34554397, 16088929, and Rajeswari_2023_(Article)). Relevant functional assessments of this variant are not available in the literature. F354del has not been observed in referenced population frequency databases. In summary, there is insufficient evidence to classify NM_000520.4(HEXA):c.1061_1063delTCT(F354del) as pathogenic or benign. Please note: this variant was assessed in the context of healthy population screening.

Literature cited by the submitters: PubMed 34554397 (cited by Natera, Inc.); PubMed 16088929 (cited by Natera, Inc.).